The following is an entry in ClinVar:

ClinVar aggregate classification (germline): Benign. Review status: criteria provided, multiple submitters, no conflicts (2 of 4 stars). 8 submissions from 8 submitters: Benign (5). 3 of the submissions do not count toward it. Last evaluated 2026-02-04.

Conditions:
Corticosteroids response. Also called: Corticosteroid response.

Allele frequency attached by ClinVar (database versions not stated): 1000 Genomes Project 0.78634; 1000 Genomes Project 30x 0.78779; TOPMed 0.83930; gnomAD 0.84636 and 0.84939; ESP Exome Variant Server 0.85129.
gnomAD v4.1: 1,356,428 of 1,556,372 alleles (87%); highest among the groups gnomAD compares: Non-Finnish European, 89%; 593,313 homozygotes.

Submissions (8):

Labcorp Genetics (formerly Invitae), Labcorp
Classification: Benign. Last evaluated: 2026-02-04. Review status: criteria provided, single submitter. Criteria: Invitae Variant Classification Sherloc (09022015). Collection method: clinical testing. Allele origin: germline.

Blueprint Genetics
Classification: Benign. Last evaluated: 2024-11-27. Review status: criteria provided, single submitter. Criteria: ACMG Guidelines, 2015. Collection method: clinical testing. Allele origin: germline.

Mayo Clinic Laboratories, Mayo Clinic
Classification: Benign. Last evaluated: 2022-03-09. Review status: criteria provided, single submitter. Criteria: ACMG Guidelines, 2015. Collection method: clinical testing. Allele origin: germline. Observed: 141 variant alleles.

GeneDx
Classification: Benign. Last evaluated: 2018-11-12. Review status: criteria provided, single submitter. Criteria: GeneDx Variant Classification Process June 2021. Collection method: clinical testing. Allele origin: germline. Affected: yes.

Breakthrough Genomics
Classification: Benign. Review status: criteria provided, single submitter. Criteria: ACMG Guidelines, 2015. Collection method: not provided. Allele origin: germline. Inheritance: Autosomal recessive inheritance. Affected: yes.

Genetic Testing Lab, Ashok and Rita Patel Institute of Integrated Study and Research in Biotechnology and Allied Sciences
Classification: drug response for Corticosteroid response. Last evaluated: 2020-01-12. Review status: no assertion criteria provided. Collection method: research. Allele origin: somatic. Affected: yes. Observed: 27 variant alleles. Not counted in ClinVar's aggregate classification.
Comment: Depending upon response to standard corticosteroid therapy, patients were classified to be either Steroid resistant (SRNS) or steroid sensitive (SSNS). Patients in remission within 4 weeks of corticosteroid therapy were classified as steroid sensitive nephrotic syndrome (SSNS). Patients not in remission within 4 weeks of corticosteroid therapy were classified as Steroid resistant nephrotic syndrome (SRNS).

Diagnostic Laboratory, Department of Genetics, University Medical Center Groningen
Classification: Benign. Review status: no assertion criteria provided. Collection method: clinical testing. Allele origin: germline. Affected: yes. Study: VKGL Data-share Consensus. Not counted in ClinVar's aggregate classification.

Joint Genome Diagnostic Labs from Nijmegen and Maastricht, Radboudumc and MUMC+
Classification: Benign. Review status: no assertion criteria provided. Collection method: clinical testing. Allele origin: germline. Affected: yes. Study: VKGL Data-share Consensus. Not counted in ClinVar's aggregate classification.

NM_030667.3(PTPRO):c.1106-10T>A

Gene: PTPRO (protein tyrosine phosphatase receptor type O; plus strand). Cytogenetic location: 12p12.3.
Variant type: single nucleotide variant.
Coding change: c.1106-10T>A on transcript NM_030667.3 (MANE Select); 10 bases into the intron before coding-DNA position 1106, T replaced by A.
Molecular consequence: intron variant.
Genome position (GRCh38, 1-based): chr12:15,503,898, T>A. VCF-style: chr12-15503898-T-A. GRCh37 (hg19) VCF-style: chr12-15656832-T-A.
Other names: p.?; c.1106-10T>A (NM_002848.4).
Identifiers: ClinVar variation 981947 (VCV000981947.19), dbSNP rs4764199, ClinGen allele CA6466436.